The following is an entry in ClinVar:

NM_176787.5(PIGN):c.408G>A (p.Trp136Ter)

Gene: PIGN (phosphatidylinositol glycan anchor biosynthesis class N; minus strand). Cytogenetic location: 18q21.33.
Variant type: single nucleotide variant.
Coding change: c.408G>A on transcript NM_176787.5 (MANE Select); coding-DNA position 408, G replaced by A.
Protein change: p.Trp136Ter; replaces tryptophan 136 with a stop codon.
Molecular consequence: nonsense.
Genome position (GRCh38, 1-based): chr18:62,157,163, C>T on the plus strand (G>A on the coding strand, the complement: PIGN is on the minus strand). VCF-style: chr18-62157163-C-T. GRCh37 (hg19) VCF-style: chr18-59824396-C-T.
Other names: c.408G>A, p.Trp136Ter (NM_012327.6); short protein forms W136*.
Identifiers: ClinVar variation 2710177 (VCV002710177.3), dbSNP rs2514260355, ClinGen allele CA402603250.

ClinVar aggregate classification (germline): Pathogenic (1 of 4 stars; one submission).

Conditions:
Multiple congenital anomalies-hypotonia-seizures syndrome 1 (MCAHS1). Also called: GLYCOSYLPHOSPHATIDYLINOSITOL BIOSYNTHESIS DEFECT 3; PIGN-CDG; Congenital disorder of glycosylation due to PIGN deficiency. Identifiers: Orphanet 280633, MedGen C3279775, MONDO:0013563, OMIM 614080.

Submission:

Labcorp Genetics (formerly Invitae), Labcorp
Classification: Pathogenic for Multiple congenital anomalies-hypotonia-seizures syndrome 1. Last evaluated: 2024-01-18. Review status: criteria provided, single submitter. Criteria: Invitae Variant Classification Sherloc (09022015). Collection method: clinical testing. Allele origin: germline.
Comment: This sequence change creates a premature translational stop signal (p.Trp136*) in the PIGN gene. It is expected to result in an absent or disrupted protein product. Loss-of-function variants in PIGN are known to be pathogenic (PMID: 24253414, 27038415). This variant is not present in population databases (gnomAD no frequency). This variant has not been reported in the literature in individuals affected with PIGN-related conditions. For these reasons, this variant has been classified as Pathogenic.

Literature cited by the submitters: PubMed 24253414; PubMed 27038415.